The following is an entry in ClinVar:

ClinVar aggregate classification (germline): Uncertain significance (1 of 4 stars; one submission).

Allele frequency attached by ClinVar (database versions not stated): gnomAD exomes below 0.00001 and 0.00001; ExAC 0.00002.
gnomAD v4.1: 2 of 1,611,170 alleles (0.00012%); highest among the groups gnomAD compares: Non-Finnish European, 0.00017%; no homozygotes.

Submission:

Labcorp Genetics (formerly Invitae), Labcorp
Classification: Uncertain significance. Last evaluated: 2025-04-16. Review status: criteria provided, single submitter. Criteria: Invitae Variant Classification Sherloc (09022015). Collection method: clinical testing. Allele origin: germline.
Comment: This sequence change falls in intron 5 of the CEP78 gene. It does not directly change the encoded amino acid sequence of the CEP78 protein. It affects a nucleotide within the consensus splice site. This variant is present in population databases (rs756222872, gnomAD 0.003%). This variant has not been reported in the literature in individuals affected with CEP78-related conditions. ClinVar contains an entry for this variant (Variation ID: 1063354). Variants that disrupt the consensus splice site are a relatively common cause of aberrant splicing (PMID: 17576681, 9536098). Algorithms developed to predict the effect of sequence changes on RNA splicing suggest that this variant is not likely to affect RNA splicing. In summary, the available evidence is currently insufficient to determine the role of this variant in disease. Therefore, it has been classified as a Variant of Uncertain Significance.

Literature cited by the submitters: PubMed 17576681; PubMed 9536098.

NM_001330691.3(CEP78):c.778+3A>G

Gene: CEP78 (centrosomal protein 78; plus strand). Cytogenetic location: 9q21.2.
Variant type: single nucleotide variant.
Coding change: c.778+3A>G on transcript NM_001330691.3 (MANE Select); 3 bases into the intron after coding-DNA position 778, A replaced by G.
Molecular consequence: intron variant.
Genome position (GRCh38, 1-based): chr9:78,243,639, A>G. VCF-style: chr9-78243639-A-G. GRCh37 (hg19) VCF-style: chr9-80858555-A-G.
Other names: c.778+3A>G (NM_001349839.2, NM_001349840.2, NM_001330693.3 and 4 more transcripts).
Identifiers: ClinVar variation 1063354 (VCV001063354.5), dbSNP rs756222872, ClinGen allele CA5095011.